The following is an entry in ClinVar:

NM_000368.5(TSC1):c.2226A>G (p.Leu742=)

Gene: TSC1 (TSC complex subunit 1; minus strand). Cytogenetic location: 9q34.13.
Variant type: single nucleotide variant.
Coding change: c.2226A>G on transcript NM_000368.5 (MANE Select); coding-DNA position 2226, A replaced by G.
Protein change: p.Leu742=; no amino-acid change (leucine 742 retained).
Molecular consequence: synonymous variant.
Genome position (GRCh38, 1-based): chr9:132,902,770, T>C on the plus strand (A>G on the coding strand, the complement: TSC1 is on the minus strand). VCF-style: chr9-132902770-T-C. GRCh37 (hg19) VCF-style: chr9-135778157-T-C.
Other names: c.2223A>G, p.Leu741= (NM_001162426.2); c.2073A>G, p.Leu691= (NM_001162427.2); c.1863A>G, p.Leu621= (NM_001362177.2).
Identifiers: ClinVar variation 64841 (VCV000064841.16), dbSNP rs397514878, ClinGen allele CA006154.

ClinVar aggregate classification (germline): Benign/Likely benign. Review status: criteria provided, multiple submitters, no conflicts (2 of 4 stars). 5 submissions from 5 submitters: Benign (1); Likely benign (3). 1 of the submissions does not count toward it. Last evaluated 2026-09-03.

Conditions:
TSC1-related disorder. Also called: TSC1-related condition.
Hereditary cancer-predisposing syndrome. Also called: Hereditary Cancer Syndrome; Neoplastic Syndromes, Hereditary; Hereditary neoplastic syndrome; Tumor predisposition. Identifiers: Orphanet 140162, MedGen C0027672, MeSH D009386, MONDO:0015356.
Tuberous sclerosis syndrome (TSC). Also called: Tuberous Sclerosis Complex; Tuberous sclerosis. Identifiers: Orphanet 805, MedGen C0041341, MONDO:0001734.
Tuberous sclerosis 1 (TSC1). Identifiers: Orphanet 805, MedGen C1854465, MONDO:0008612, OMIM 191100.

Allele frequency attached by ClinVar (database versions not stated): gnomAD exomes below 0.00001; TOPMed below 0.00001; gnomAD 0.00001.
gnomAD v4.1: 2 of 1,613,622 alleles (0.00012%); highest among the groups gnomAD compares: Admixed American, 0.0033%; no homozygotes.

Submissions (5):

PreventionGenetics, part of Exact Sciences
Classification: Likely benign for TSC1-related condition. Last evaluated: 2026-09-03. Review status: criteria provided, single submitter. Criteria: ACMG Guidelines, 2015. Collection method: clinical testing. Allele origin: germline.
Comment: This variant is classified as likely benign based on ACMG/AMP sequence variant interpretation guidelines (Richards et al. 2015 PMID: 25741868, with internal and published modifications).

Myriad Genetics, Inc.
Classification: Benign for Tuberous sclerosis 1. Last evaluated: 2025-04-24. Review status: criteria provided, single submitter. Criteria: Myriad Autosomal Dominant, Autosomal Recessive and X-Linked Classification Criteria (2023). Collection method: clinical testing. Allele origin: unknown.
Comment: This variant is considered benign. This variant is a silent/synonymous amino acid change and it is not expected to impact splicing.

Labcorp Genetics (formerly Invitae), Labcorp
Classification: Likely benign for Tuberous sclerosis 1. Last evaluated: 2024-12-04. Review status: criteria provided, single submitter. Criteria: Invitae Variant Classification Sherloc (09022015). Collection method: clinical testing. Allele origin: germline.

Ambry Genetics
Classification: Likely benign for Hereditary cancer-predisposing syndrome. Last evaluated: 2020-10-23. Review status: criteria provided, single submitter. Criteria: Ambry Variant Classification Scheme 2023. Collection method: clinical testing. Allele origin: germline.

Tuberous sclerosis database (TSC1)
No classification provided. Condition: TSC. Review status: no classification provided. Criteria: Tuberous Sclerosis Database Assertion Criteria 2015. Collection method: curation. Allele origin: germline. Affected: yes. Not counted in ClinVar's aggregate classification.